The following is an entry in ClinVar:

NM_004168.4(SDHA):c.908C>T (p.Ala303Val)

Gene: SDHA (succinate dehydrogenase complex flavoprotein subunit A; plus strand). Cytogenetic location: 5p15.33.
Variant type: single nucleotide variant.
Coding change: c.908C>T on transcript NM_004168.4 (MANE Select); coding-DNA position 908, C replaced by T.
Protein change: p.Ala303Val; replaces alanine 303 with valine.
Molecular consequence: missense variant.
Genome position (GRCh38, 1-based): chr5:233,489, C>T. VCF-style: chr5-233489-C-T. GRCh37 (hg19) VCF-style: chr5-233604-C-T.
Other names: c.764C>T, p.Ala255Val (NM_001294332.2); c.908C>T, p.Ala303Val (NM_001330758.2); short protein forms A255V, A303V.
Identifiers: ClinVar variation 3367268 (VCV003367268.2).

ClinVar aggregate classification (germline): Uncertain significance. Review status: criteria provided, multiple submitters, no conflicts (2 of 4 stars). 2 submissions from 2 submitters: Uncertain significance (2). Last evaluated 2024-07-27.

Conditions:
Hereditary cancer-predisposing syndrome. Also called: Tumor predisposition; Neoplastic Syndromes, Hereditary; Hereditary neoplastic syndrome; Hereditary Cancer Syndrome. Identifiers: Orphanet 140162, MedGen C0027672, MeSH D009386, MONDO:0015356.

Submissions (2):

Ambry Genetics
Classification: Uncertain significance for Hereditary cancer-predisposing syndrome. Last evaluated: 2024-07-27. Review status: criteria provided, single submitter. Criteria: Ambry Variant Classification Scheme 2023. Collection method: clinical testing. Allele origin: germline.
Comment: The p.A303V variant (also known as c.908C>T), located in coding exon 8 of the SDHA gene, results from a C to T substitution at nucleotide position 908. The alanine at codon 303 is replaced by valine, an amino acid with similar properties. This amino acid position is conserved. In addition, the in silico prediction for this alteration is inconclusive. Based on the available evidence, the clinical significance of this variant remains unclear.

GeneDx
Classification: Uncertain significance. Last evaluated: 2023-12-27. Review status: criteria provided, single submitter. Criteria: GeneDx Variant Classification Process June 2021. Collection method: clinical testing. Allele origin: germline. Affected: yes.
Comment: Not observed at significant frequency in large population cohorts (gnomAD); In silico analysis supports that this missense variant has a deleterious effect on protein structure/function; Has not been previously published as pathogenic or benign to our knowledge